The following is an entry in ClinVar:

ClinVar aggregate classification (germline): Uncertain significance (0 of 4 stars; one submission).

Conditions:
Congenital myasthenic syndrome 13 (CMS13). Also called: Myasthenic syndrome, congenital, with tubular aggregates 2; Myasthenic syndrome, congenital, 13, with tubular aggregates. Identifiers: Orphanet 353327, Orphanet 590, MedGen C3553645, MONDO:0013883, OMIM 614750.

Submission:

Hong-Tao Li Lab, Institute of Brain Science and Brain-inspired Research, Shandong First Medical University & Shandong Academy of Medical Sciences China
Classification: Uncertain significance for Congenital myasthenic syndrome 13. Review status: no assertion criteria provided. Collection method: research. Allele origin: germline. Inheritance: Autosomal recessive inheritance. Affected: yes. Observed: 1 variant allele, 1 homozygote.
Comment: Observed in affected individuals from a Pakistani neurodevelopmental-disorder research cohort of 263 individuals. Classification assigned using the ACMG/AMP framework.

NM_001382.4(DPAGT1):c.515A>G (p.Tyr172Cys)

Gene: DPAGT1 (dolichyl-phosphate N-acetylglucosaminephosphotransferase 1; minus strand). Cytogenetic location: 11q23.3.
Variant type: single nucleotide variant.
Coding change: c.515A>G on transcript NM_001382.4 (MANE Select); coding-DNA position 515, A replaced by G.
Protein change: p.Tyr172Cys; replaces tyrosine 172 with cysteine.
Molecular consequence: missense variant.
Genome position (GRCh38, 1-based): chr11:119,100,390, T>C on the plus strand (A>G on the coding strand, the complement: DPAGT1 is on the minus strand). VCF-style: chr11-119100390-T-C. GRCh37 (hg19) VCF-style: chr11-118971100-T-C.
Other names: short protein forms Y172C.
Identifiers: ClinVar variation 4884847 (VCV004884847.1).